The following is an entry in ClinVar:

NC_000002.11:g.(?_72562056)_(72742275_?)del

Gene: EXOC6B (exocyst complex component 6B; minus strand). Cytogenetic location: 2p13.2.
Variant type: Deletion.
Identifiers: ClinVar variation 2424127 (VCV002424127.3).

ClinVar aggregate classification (germline): Uncertain significance (1 of 4 stars; one submission).

Submission:

Labcorp Genetics (formerly Invitae), Labcorp
Classification: Uncertain significance. Last evaluated: 2022-08-27. Review status: criteria provided, single submitter. Criteria: Invitae Variant Classification Sherloc (09022015). Collection method: clinical testing. Allele origin: germline.
Comment: In summary, the available evidence is currently insufficient to determine the role of this variant in disease. Therefore, it has been classified as a Variant of Uncertain Significance. Experimental studies and prediction algorithms are not available or were not evaluated, and the functional significance of this variant is currently unknown. A similar copy number variant has been observed in individual(s) with spondyloepimetaphyseal dysplasia (PMID: 30284759). This variant is a gross deletion of the genomic region encompassing exon(s) 9-20 of the EXOC6B gene. This variant would be expected to be in-frame, preserving the integrity of the reading frame.

Literature cited by the submitters: PubMed 30284759.